The following is an entry in ClinVar:

NM_001122681.2(SH3BP2):c.1102C>T (p.Pro368Ser)

Gene: SH3BP2 (SH3 domain binding protein 2; plus strand). Cytogenetic location: 4p16.3.
Variant type: single nucleotide variant.
Coding change: c.1102C>T on transcript NM_001122681.2 (MANE Select); coding-DNA position 1102, C replaced by T.
Protein change: p.Pro368Ser; replaces proline 368 with serine.
Molecular consequence: missense variant.
Genome position (GRCh38, 1-based): chr4:2,830,008, C>T. VCF-style: chr4-2830008-C-T. GRCh37 (hg19) VCF-style: chr4-2831735-C-T.
Other names: c.1186C>T, p.Pro396Ser (NM_001145855.2); c.1273C>T, p.Pro425Ser (NM_001145856.2); c.1102C>T, p.Pro368Ser (NM_003023.4); short protein forms P396S, P368S, P425S.
Identifiers: ClinVar variation 2729619 (VCV002729619.3), dbSNP rs780642536, ClinGen allele CA2819385.
Genomic context (GRCh38, chr4:2,830,008, plus strand): 5'-GAGCCCCCACCTGTGCCAGCCAACAAGCCCAAGTTCCTGAAGATAGCTGAAGAGGACCCC[C>T]CAAGGGAGGCAGCCATGCCCGGACTCTTTGTGCCCCCCGTGGCTCCCCGGCCTCCTGCGC-3'
Protein context (NP_001116153.1, residues 358-378): KFLKIAEEDP[Pro368Ser]REAAMPGLFV

ClinVar aggregate classification (germline): Uncertain significance (1 of 4 stars; one submission).

Conditions:
Fibrous dysplasia of jaw (CRBM). Also called: Cherubism. Identifiers: Orphanet 184, MedGen C0008029, MONDO:0007315, OMIM 118400.

Allele frequency attached by ClinVar (database versions not stated): ExAC 0.00001; TOPMed 0.00001; gnomAD 0.00003; gnomAD exomes 0.00003.

Submission:

Labcorp Genetics (formerly Invitae), Labcorp
Classification: Uncertain significance for Fibrous dysplasia of jaw. Last evaluated: 2025-11-09. Review status: criteria provided, single submitter. Criteria: Invitae Variant Classification Sherloc (09022015). Collection method: clinical testing. Allele origin: germline.
Comment: This sequence change replaces proline, which is neutral and non-polar, with serine, which is neutral and polar, at codon 368 of the SH3BP2 protein (p.Pro368Ser). The frequency data for this variant in the population databases is considered unreliable, as metrics indicate poor data quality at this position in the gnomAD database. This variant has not been reported in the literature in individuals affected with SH3BP2-related conditions. ClinVar contains an entry for this variant (Variation ID: 2729619). Invitae Evidence Modeling of protein sequence and biophysical properties (such as structural, functional, and spatial information, amino acid conservation, physicochemical variation, residue mobility, and thermodynamic stability) indicates that this missense variant is not expected to disrupt SH3BP2 protein function with a negative predictive value of 80%. In summary, the available evidence is currently insufficient to determine the role of this variant in disease. Therefore, it has been classified as a Variant of Uncertain Significance.